The following is an entry in ClinVar:

ClinVar aggregate classification (germline): Uncertain significance (1 of 4 stars; one submission).

Conditions:
Inborn genetic diseases. Identifiers: MedGen C0950123, MeSH D030342.

Submission:

Ambry Genetics
Classification: Uncertain significance for Inborn genetic diseases. Last evaluated: 2026-03-19. Review status: criteria provided, single submitter. Criteria: Ambry Variant Classification Scheme 2023. Collection method: clinical testing. Allele origin: germline.
Comment: The c.547G>A (p.G183R) alteration is located in exon 5 (coding exon 5) of the DPF2 gene. This alteration results from a G to A substitution at nucleotide position 547, causing the glycine (G) at amino acid position 183 to be replaced by an arginine (R). Based on data from gnomAD, the A allele has an overall frequency of <0.001% (0/202822) total alleles studied. The highest observed frequency was <0.001% (/) of alleles. Based on insufficient or conflicting evidence, the clinical significance of this alteration remains unclear.

NM_006268.5(DPF2):c.547G>A (p.Gly183Arg)

Gene: DPF2 (double PHD fingers 2; plus strand). Cytogenetic location: 11q13.1.
Variant type: single nucleotide variant.
Coding change: c.547G>A on transcript NM_006268.5 (MANE Select); coding-DNA position 547, G replaced by A.
Protein change: p.Gly183Arg; replaces glycine 183 with arginine.
Molecular consequence: missense variant.
Genome position (GRCh38, 1-based): chr11:65,343,826, G>A. VCF-style: chr11-65343826-G-A. GRCh37 (hg19) VCF-style: chr11-65111297-G-A.
Other names: c.547G>A, p.Gly183Arg (NM_001330308.2); short protein forms G183R.
Identifiers: ClinVar variation 4870079 (VCV004870079.1).
Genomic context (GRCh38, chr11:65,343,826, plus strand): 5'-TTCCTGGATGACCTCGATGATGAAGACTATGAAGAAGATACTCCCAAGCGTCGGGGAAAG[G>A]GGAAATCCAAGGTGAGGGGCCAGCGTGCTGCCTGCATCTTGGGACAGGGTGGCCTAGGGA-3'
Protein context (NP_006259.1, residues 173-193): EEDTPKRRGK[Gly183Arg]KSKGKGVGSA